The following is an entry in ClinVar:

NM_001943.5(DSG2):c.1729G>A (p.Gly577Ser)

Gene: DSG2 (desmoglein 2; plus strand). Cytogenetic location: 18q12.1.
Variant type: single nucleotide variant.
Coding change: c.1729G>A on transcript NM_001943.5 (MANE Select); coding-DNA position 1729, G replaced by A.
Protein change: p.Gly577Ser; replaces glycine 577 with serine.
Molecular consequence: missense variant.
Genome position (GRCh38, 1-based): chr18:31,538,828, G>A. VCF-style: chr18-31538828-G-A. GRCh37 (hg19) VCF-style: chr18-29118791-G-A.
Other names: short protein forms G577S.
Identifiers: ClinVar variation 919887 (VCV000919887.4), dbSNP rs2073247973, ClinGen allele CA402137274.
Genomic context (GRCh38, chr18:31,538,828, plus strand): 5'-CAACAAAGTGAGAAAAAGCTTGGGAGAAGTGAAATTCAGTTCCTGATTTCAGACAATCAG[G>A]GTTTTAGTTGTCCTGAAAAGCAGGTCCTTACACTCACAGTTTGTGAGTGTCTGCATGGCA-3'
Protein context (NP_001934.2, residues 567-587): EIQFLISDNQ[Gly577Ser]FSCPEKQVLT

ClinVar aggregate classification (germline): Uncertain significance (1 of 4 stars; one submission).

Conditions:
Cardiomyopathy (CMYO). Also called: Cardiomyopathies. Identifiers: Orphanet 167848, MedGen C0878544, MONDO:0004994, HP:0001638. Inheritance: Various modes of inheritance.

Submission:

Color Diagnostics, LLC DBA Color Health
Classification: Uncertain significance for Cardiomyopathy. Last evaluated: 2024-03-06. Review status: criteria provided, single submitter. Criteria: ACMG Guidelines, 2015. Collection method: clinical testing. Allele origin: germline.
Comment: This missense variant replaces glycine with serine at codon 577 of the DSG2 protein. Computational prediction tool suggests that this variant may not impact protein structure and function (internally defined REVEL score threshold <=0.5, PMID: 27666373). Splice site prediction tools suggest that this variant may not impact RNA splicing. To our knowledge, functional studies have not been performed for this variant. This variant has not been reported in individuals affected with cardiovascular disorders in the literature. This variant has not been identified in the general population by the Genome Aggregation Database (gnomAD). The available evidence is insufficient to determine the role of this variant in disease conclusively. Therefore, this variant is classified as a Variant of Uncertain Significance.